The following is an entry in ClinVar:

ClinVar aggregate classification (germline): Conflicting classifications of pathogenicity. Review status: criteria provided, conflicting classifications (1 of 4 stars). 2 submissions from 2 submitters: Uncertain significance (1); Likely benign (1). Last evaluated 2025-11-03.

Conditions:
Familial adenomatous polyposis 2. Also called: MUTYH-associated polyposis; MUTYH-related attenuated familial adenomatous polyposis; FAP type 2; Adenomas, multiple colorectal; MYH-associated polyposis; MUTYH Polyposis. Identifiers: Orphanet 220460, Orphanet 247798, MedGen C3272841, MONDO:0012041, OMIM 608456.
Hereditary cancer-predisposing syndrome. Also called: Hereditary Cancer Syndrome; Hereditary neoplastic syndrome; Neoplastic Syndromes, Hereditary; Tumor predisposition. Identifiers: Orphanet 140162, MedGen C0027672, MeSH D009386, MONDO:0015356.

gnomAD v4.1: 2 of 1,614,164 alleles (0.00012%); highest among the groups gnomAD compares: South Asian, 0.0022%; no homozygotes.

Submissions (2):

Labcorp Genetics (formerly Invitae), Labcorp
Classification: Uncertain significance for Familial adenomatous polyposis 2. Last evaluated: 2025-11-03. Review status: criteria provided, single submitter. Criteria: Invitae Variant Classification Sherloc (09022015). Collection method: clinical testing. Allele origin: germline.
Comment: This sequence change replaces lysine, which is basic and polar, with arginine, which is basic and polar, at codon 28 of the MUTYH protein (p.Lys28Arg). This variant is not present in population databases (gnomAD no frequency). This variant has not been reported in the literature in individuals affected with MUTYH-related conditions. ClinVar contains an entry for this variant (Variation ID: 1763233). An algorithm developed to predict the effect of missense changes on protein structure and function outputs the following: PolyPhen-2: "Benign". The arginine amino acid residue is found in multiple mammalian species, which suggests that this missense change does not adversely affect protein function. In summary, the available evidence is currently insufficient to determine the role of this variant in disease. Therefore, it has been classified as a Variant of Uncertain Significance.

Ambry Genetics
Classification: Likely benign for Hereditary cancer-predisposing syndrome. Last evaluated: 2022-01-27. Review status: criteria provided, single submitter. Criteria: Ambry Variant Classification Scheme 2023. Collection method: clinical testing. Allele origin: germline.

NM_001048174.2(MUTYH):c.41A>G (p.Lys14Arg)

Gene: MUTYH (mutY DNA glycosylase; minus strand). Cytogenetic location: 1p34.1.
Variant type: single nucleotide variant.
Coding change: c.41A>G on transcript NM_001048174.2 (MANE Select); coding-DNA position 41, A replaced by G.
Protein change: p.Lys14Arg; replaces lysine 14 with arginine.
Molecular consequence: missense variant. On other transcripts: 5 prime UTR variant (4), non-coding transcript variant (2).
Genome position (GRCh38, 1-based): chr1:45,334,465, T>C on the plus strand (A>G on the coding strand, the complement: MUTYH is on the minus strand). VCF-style: chr1-45334465-T-C. GRCh37 (hg19) VCF-style: chr1-45800137-T-C.
Other names: c.41A>G, p.Lys14Arg (NM_001048171.2, NM_001048172.2, NM_001048173.2 and 15 more transcripts); c.83A>G, p.Lys28Arg (NM_001128425.2, NM_001293190.2, NM_001407069.1 and 2 more transcripts); c.-172A>G (NM_001293192.2, NM_001293196.2, NM_001407091.1); c.-231A>G (NM_001350650.2); c.-167A>G (NM_001350651.2, NM_001407082.1); c.-116A>G (NM_001407075.1); c.59A>G, p.Lys20Arg (NM_001407087.1); short protein forms K14R, K20R, K28R.
Identifiers: ClinVar variation 1763233 (VCV001763233.4), dbSNP rs1553131499, ClinGen allele CA340137163.